The following is an entry in ClinVar:

NM_000051.4(ATM):c.3171dup (p.Trp1058fs)

Gene: ATM (ATM serine/threonine kinase; plus strand). Cytogenetic location: 11q22.3.
Variant type: Duplication.
Coding change: c.3171dup on transcript NM_000051.4 (MANE Select); coding-DNA position 3171, one base duplicated (A; older notation c.3171dupA).
Protein change: p.Trp1058fs; shifts the reading frame from tryptophan 1058.
Molecular consequence: frameshift variant.
Genome position (GRCh38, 1-based): chr11:108,272,739, A duplicated; the last of 4 consecutive A bases (chr11:108,272,736-108,272,739); duplicating any one gives the same sequence. VCF-style (leftmost placement, unchanged base first): chr11-108272735-C-CA. GRCh37 (hg19) VCF-style: chr11-108143462-C-CA.
Other names: c.3171dup, p.Trp1058fs (NM_001351834.2); short protein forms W1058fs.
Identifiers: ClinVar variation 1454465 (VCV001454465.10), dbSNP rs2135570105, ClinGen allele CA2573146649.

ClinVar aggregate classification (germline): Pathogenic/Likely pathogenic. Review status: criteria provided, multiple submitters, no conflicts (2 of 4 stars). 4 submissions from 4 submitters: Pathogenic (3); Likely pathogenic (1). Last evaluated 2025-05-22.

Conditions:
Familial cancer of breast. Also called: hereditary breast carcinoma; BREAST CANCER, FAMILIAL; Hereditary breast cancer. Identifiers: Orphanet 227535, MedGen C0346153, MONDO:0016419, OMIM 114480. Disease mechanism: loss of function.
Ataxia-telangiectasia syndrome (AT). Also called: Ataxia-telangiectasia, complementation group E; Cerebello-oculocutaneous telangiectasia; Immunodeficiency with ataxia telangiectasia; ATAXIA-TELANGIECTASIA, FRESNO VARIANT; Ataxia-telangiectasia, complementation group D; AT, COMPLEMENTATION GROUP C. Identifiers: Orphanet 100, MedGen C0004135, MONDO:0008840, OMIM 208900.
Hereditary cancer-predisposing syndrome. Also called: Hereditary Cancer Syndrome; Hereditary neoplastic syndrome; Tumor predisposition; Neoplastic Syndromes, Hereditary. Identifiers: Orphanet 140162, MedGen C0027672, MeSH D009386, MONDO:0015356.

Submissions (4):

Labcorp Genetics (formerly Invitae), Labcorp
Classification: Pathogenic for Ataxia-telangiectasia syndrome. Last evaluated: 2025-05-22. Review status: criteria provided, single submitter. Criteria: Invitae Variant Classification Sherloc (09022015). Collection method: clinical testing. Allele origin: germline.
Comment: This sequence change creates a premature translational stop signal (p.Trp1058Metfs*5) in the ATM gene. It is expected to result in an absent or disrupted protein product. Loss-of-function variants in ATM are known to be pathogenic (PMID: 23807571, 25614872). This variant is not present in population databases (gnomAD no frequency). This variant has not been reported in the literature in individuals affected with ATM-related conditions. ClinVar contains an entry for this variant (Variation ID: 1454465). For these reasons, this variant has been classified as Pathogenic.

Myriad Genetics, Inc.
Classification: Pathogenic for Familial cancer of breast. Last evaluated: 2024-01-19. Review status: criteria provided, single submitter. Criteria: Myriad Autosomal Dominant, Autosomal Recessive and X-Linked Classification Criteria (2023). Collection method: clinical testing. Allele origin: unknown.
Comment: This variant is considered pathogenic. This variant creates a frameshift predicted to result in premature protein truncation.

Ambry Genetics
Classification: Pathogenic for Hereditary cancer-predisposing syndrome. Last evaluated: 2022-10-07. Review status: criteria provided, single submitter. Criteria: Ambry Variant Classification Scheme 2023. Collection method: clinical testing. Allele origin: germline.
Comment: The c.3171dupA pathogenic mutation, located in coding exon 21 of the ATM gene, results from a duplication of A at nucleotide position 3171, causing a translational frameshift with a predicted alternate stop codon (p.W1058Mfs*5). This variant is considered to be rare based on population cohorts in the Genome Aggregation Database (gnomAD). This alteration is expected to result in loss of function by premature protein truncation or nonsense-mediated mRNA decay. As such, this alteration is interpreted as a disease-causing mutation.

Juno Genomics, Hangzhou Juno Genomics, Inc
Classification: Likely pathogenic for Familial cancer of breast; Ataxia-telangiectasia syndrome. Review status: criteria provided, single submitter. Criteria: ACMG Guidelines, 2015. Collection method: clinical testing. Allele origin: germline.
Comment: Null variant in a gene where loss of function (LOF) is a known mechanism of disease.;Absent from controls (or at extremely low frequency if recessive) in Genome Aggregation Database.

Literature cited by the submitters: PubMed 23807571 (cited by Labcorp Genetics (formerly Invitae), Labcorp); PubMed 25614872 (cited by Labcorp Genetics (formerly Invitae), Labcorp).